The following is an entry in ClinVar:

ClinVar aggregate classification (germline): Pathogenic (0 of 4 stars; one submission).

Conditions:
Neurodevelopmental disorder with hypotonia, neonatal respiratory insufficiency, and thermodysregulation. Identifiers: MedGen C5394091, MONDO:0032921, OMIM 618797.

Submissions (2):

OMIM
Classification: Pathogenic for NEURODEVELOPMENTAL DISORDER WITH HYPOTONIA, NEONATAL RESPIRATORY INSUFFICIENCY, AND THERMODYSREGULATION. Last evaluated: 2020-04-02. Review status: no assertion criteria provided. Collection method: literature only. Allele origin: germline.

Institute of Human Genetics Munich, TUM University Hospital
No classification provided (evidence only). Condition: Generalized hypotonia; Feeding difficulties; Infantile spasms; Respiratory distress. Last evaluated: 2019-09-24. Review status: no classification provided. Criteria: Classification criteria August 2017. Collection method: in vitro. Allele origin: not applicable. Inheritance: Autosomal recessive inheritance. Functional consequence: Decreased function. Not counted in ClinVar's aggregate classification.
Comment: "Pathogenic" was previously submitted as the classification for the variant. However, the classification appeared to be based only on an observation of functional data so it was converted to no classification on 2025-07-30.

Literature cited by the submitters: PubMed 32004447 (cited by OMIM).

NM_001346249.2(RALGAPA1):c.6510del (p.Phe2170fs)

Gene: RALGAPA1 (Ral GTPase activating protein catalytic subunit alpha 1; minus strand). Cytogenetic location: 14q13.2.
Variant type: Deletion.
Coding change: c.6510del on transcript NM_001346249.2 (MANE Select); coding-DNA position 6510, one base deleted (T; older notation c.6510delT).
Protein change: p.Phe2170fs; shifts the reading frame from phenylalanine 2170.
Molecular consequence: frameshift variant.
Genome position (GRCh38, 1-based): chr14:35,627,437, A deleted on the plus strand (T on the coding strand, the reverse complement: RALGAPA1 is on the minus strand); the first of 3 consecutive A bases (chr14:35,627,437-35,627,439); deleting any one gives the same sequence. VCF-style (leftmost placement, unchanged base first): chr14-35627436-TA-T. GRCh37 (hg19) VCF-style: chr14-36096642-TA-T.
Other names: c.5031del, p.Phe1677fs (NM_001283043.3); c.5133del, p.Phe1711fs (NM_001283044.3, NM_001346245.2, NM_001346247.2); c.6369del, p.Phe2123fs (NM_001330075.3, NM_001346248.2); c.4992del, p.Phe1664fs (NM_001346243.2, NM_001346246.2, NM_014990.3 and 1 more transcripts); c.4992delT (NM_194301.4); short protein forms F1711fs, F2123fs, F2170fs, F1664fs, F1677fs.
Identifiers: ClinVar variation 691795 (VCV000691795.7), dbSNP rs1594878619, ClinGen allele CA915948915.
Genomic context (GRCh38, chr14:35,627,436, plus strand): 5'-AGAGCTCATCAAGAACATCTTCTTCATCTCTTATTGTATCCCAAGTTGGTACAGTTTCTC[TA>T]AATCTTTTAAACTGGAGAGAAAGTCCATCTTTTACGGTTATATCTTCTAAGCATTCATTA-3'